The following is an entry in ClinVar:

NM_000051.4(ATM):c.8427A>G (p.Gln2809=)

Genes: ATM (ATM serine/threonine kinase; plus strand), C11orf65 (chromosome 11 open reading frame 65; minus strand). Cytogenetic location: 11q22.3.
Variant type: single nucleotide variant.
Coding change: c.8427A>G on transcript NM_000051.4 (MANE Select); coding-DNA position 8427, A replaced by G.
Protein change: p.Gln2809=; no amino-acid change (glutamine 2809 retained).
Molecular consequence: synonymous variant. On other transcripts: intron variant (2).
Genome position (GRCh38, 1-based): chr11:108,345,751, A>G. VCF-style: chr11-108345751-A-G. GRCh37 (hg19) VCF-style: chr11-108216478-A-G.
Other names: p.Gln2809=; c.8427A>G, p.Gln2809= (NM_001351834.2); c.641-36680T>C (NM_001330368.2); c.695-10459T>C (NM_001351110.2).
Identifiers: ClinVar variation 219709 (VCV000219709.23), dbSNP rs538173062, ClinGen allele CA348756.
Genomic context (GRCh38, chr11:108,345,751, plus strand): 5'-GTTTAATTGAACACAATATTGAAAAATAATTATATATATTCTCTATTTAAAGGAGGTGCA[A>G]AAAAAGTCTTTTGAAGAGAAATATGAAGTCTTCATGGATGTTTGCCAAAATTTTCAACCA-3'
Protein context (NP_000042.3, residues 2799-2819): FQCQKKMMEV[Gln2809=]KKSFEEKYEV

ClinVar aggregate classification (germline): Benign/Likely benign. Review status: criteria provided, multiple submitters, no conflicts (2 of 4 stars). 9 submissions from 9 submitters: Benign (1); Likely benign (8). Last evaluated 2026-02-03.

Conditions:
ATM-related disorder. Also called: ATM-related disorders; ATM-related condition.
Hereditary cancer-predisposing syndrome. Also called: Neoplastic Syndromes, Hereditary; Hereditary neoplastic syndrome; Tumor predisposition; Hereditary Cancer Syndrome. Identifiers: Orphanet 140162, MedGen C0027672, MeSH D009386, MONDO:0015356.
Ataxia-telangiectasia syndrome (AT). Also called: Ataxia telangiectasia (A-T); Cerebello-oculocutaneous telangiectasia; Immunodeficiency with ataxia telangiectasia; LOUIS-BAR SYNDROME; AT, COMPLEMENTATION GROUP C; ATAXIA-TELANGIECTASIA, FRESNO VARIANT. Identifiers: Orphanet 100, MedGen C0004135, MONDO:0008840, OMIM 208900.
Familial cancer of breast. Also called: hereditary breast carcinoma; Hereditary breast cancer; BREAST CANCER, FAMILIAL. Identifiers: Orphanet 227535, MedGen C0346153, MONDO:0016419, OMIM 114480. Disease mechanism: loss of function.

Allele frequency attached by ClinVar (database versions not stated): ExAC 0.00009; 1000 Genomes Project 30x 0.00016; gnomAD 0.00002 and 0.00003; gnomAD exomes 0.00002 and 0.00007; TOPMed 0.00007; 1000 Genomes Project 0.00020.
gnomAD v4.1: 34 of 1,610,708 alleles (0.0021%); highest among the groups gnomAD compares: East Asian, 0.071%; no homozygotes.

Submissions (9):

Labcorp Genetics (formerly Invitae), Labcorp
Classification: Likely benign for Ataxia-telangiectasia syndrome. Last evaluated: 2026-02-03. Review status: criteria provided, single submitter. Criteria: Invitae Variant Classification Sherloc (09022015). Collection method: clinical testing. Allele origin: germline.

Mayo Clinic Laboratories, Mayo Clinic
Classification: Likely benign. Last evaluated: 2025-03-05. Review status: criteria provided, single submitter. Criteria: ACMG Guidelines, 2015. Collection method: clinical testing. Allele origin: germline. Observed: 1 variant allele.
Comment: BS1, BP4, BP7

PreventionGenetics, part of Exact Sciences
Classification: Likely benign for ATM-related condition. Last evaluated: 2025-02-24. Review status: criteria provided, single submitter. Criteria: ACMG Guidelines, 2015. Collection method: clinical testing. Allele origin: germline.
Comment: This variant is classified as likely benign based on ACMG/AMP sequence variant interpretation guidelines (Richards et al. 2015 PMID: 25741868, with internal and published modifications).

Myriad Genetics, Inc.
Classification: Benign for Familial cancer of breast. Last evaluated: 2024-06-20. Review status: criteria provided, single submitter. Criteria: Myriad Autosomal Dominant, Autosomal Recessive and X-Linked Classification Criteria (2023). Collection method: clinical testing. Allele origin: unknown.
Comment: This variant is considered benign. This variant is a silent/synonymous amino acid change and it is not expected to impact splicing.

Blueprint Genetics
Classification: Likely benign. Last evaluated: 2024-05-17. Review status: criteria provided, single submitter. Criteria: ACMG Guidelines, 2015. Collection method: clinical testing. Allele origin: germline.

Department of Pathology and Laboratory Medicine, Sinai Health System
Classification: Likely benign for Familial cancer of breast. Last evaluated: 2021-12-30. Review status: criteria provided, single submitter. Criteria: ACMG Guidelines, 2015. Collection method: clinical testing. Allele origin: germline. Affected: yes.

GeneDx
Classification: Likely benign. Last evaluated: 2019-02-26. Review status: criteria provided, single submitter. Criteria: GeneDx Variant Classification Process June 2021. Collection method: clinical testing. Allele origin: germline. Affected: yes.

Color Diagnostics, LLC DBA Color Health
Classification: Likely benign for Hereditary cancer-predisposing syndrome. Last evaluated: 2017-01-20. Review status: criteria provided, single submitter. Criteria: ACMG Guidelines, 2015. Collection method: clinical testing. Allele origin: germline.

Ambry Genetics
Classification: Likely benign for Hereditary cancer-predisposing syndrome. Last evaluated: 2015-01-06. Review status: criteria provided, single submitter. Criteria: Ambry Variant Classification Scheme 2023. Collection method: clinical testing. Allele origin: germline.

Literature cited by the submitters: PubMed 30287823 (cited by Department of Pathology and Laboratory Medicine, Sinai Health System).